The following is an entry in ClinVar:

ClinVar aggregate classification (germline): Benign. Review status: criteria provided, multiple submitters, no conflicts (2 of 4 stars). 2 submissions from 2 submitters: Benign (2). Last evaluated 2018-06-16.

Allele frequency attached by ClinVar (database versions not stated): 1000 Genomes Project 30x 0.08823; TOPMed 0.08870; gnomAD 0.09160 and 0.09443; 1000 Genomes Project 0.09305; gnomAD exomes 0.12185.
gnomAD v4.1: 106,622 of 911,810 alleles (12%); highest among the groups gnomAD compares: Middle Eastern, 16%; 6,790 homozygotes.

Submissions (2):

GeneDx
Classification: Benign. Last evaluated: 2018-06-16. Review status: criteria provided, single submitter. Criteria: GeneDx Variant Classification (06012015). Collection method: clinical testing. Allele origin: germline. Affected: yes.
Comment: This variant is considered likely benign or benign based on one or more of the following criteria: it is a conservative change, it occurs at a poorly conserved position in the protein, it is predicted to be benign by multiple in silico algorithms, and/or has population frequency not consistent with disease.

Breakthrough Genomics
Classification: Benign. Review status: criteria provided, single submitter. Criteria: ACMG Guidelines, 2015. Collection method: not provided. Allele origin: germline. Inheritance: Autosomal recessive inheritance. Affected: yes.

NM_153240.5(NPHP3):c.2476-84A>G

Genes: NPHP3 (nephrocystin 3; minus strand), NPHP3-ACAD11 (NPHP3-ACAD11 readthrough (NMD candidate); minus strand). Cytogenetic location: 3q22.1.
Variant type: single nucleotide variant.
Coding change: c.2476-84A>G on transcript NM_153240.5 (MANE Select); 84 bases into the intron before coding-DNA position 2476, A replaced by G.
Molecular consequence: intron variant.
Genome position (GRCh38, 1-based): chr3:132,691,370, T>C on the plus strand (A>G on the coding strand, the complement: NPHP3 is on the minus strand). VCF-style: chr3-132691370-T-C. GRCh37 (hg19) VCF-style: chr3-132410214-T-C.
Identifiers: ClinVar variation 674998 (VCV000674998.2), dbSNP rs2271490, ClinGen allele CA11596551.
Genomic context (GRCh38, chr3:132,691,370, plus strand): 5'-TGAGTTCTATTTCACGTAAGTCACTGTACATCTAACAAGAGATTTGCAAAAAAGAATTTA[T>C]AATTATTCCTATTTTATAGCTGTATAATAGAAATGTCACTTAAATGTTTTTAAATTTAGG-3'